The following is an entry in ClinVar:

ClinVar aggregate classification (germline): Uncertain significance. Review status: criteria provided, multiple submitters, no conflicts (2 of 4 stars). 6 submissions from 6 submitters: Uncertain significance (6). Last evaluated 2026-04-19.

Conditions:
PALB2-related disorder. Also called: PALB2-related condition; PALB2-related disorders.
Hereditary cancer-predisposing syndrome. Also called: Neoplastic Syndromes, Hereditary; Tumor predisposition; Hereditary neoplastic syndrome; Hereditary Cancer Syndrome. Identifiers: Orphanet 140162, MedGen C0027672, MeSH D009386, MONDO:0015356.
Familial cancer of breast. Also called: Hereditary breast cancer; BREAST CANCER, FAMILIAL; hereditary breast carcinoma. Identifiers: Orphanet 227535, MedGen C0346153, MONDO:0016419, OMIM 114480. Disease mechanism: loss of function.

Submissions (6):

Women's Health and Genetics/Laboratory Corporation of America, LabCorp
Classification: Uncertain significance. Last evaluated: 2026-04-19. Review status: criteria provided, single submitter. Criteria: LabCorp Variant Classification Summary - May 2015. Collection method: clinical testing. Allele origin: germline.

Labcorp Genetics (formerly Invitae), Labcorp
Classification: Uncertain significance for Familial cancer of breast. Last evaluated: 2026-01-10. Review status: criteria provided, single submitter. Criteria: Invitae Variant Classification Sherloc (09022015). Collection method: clinical testing. Allele origin: germline.
Comment: This sequence change replaces aspartic acid, which is acidic and polar, with glycine, which is neutral and non-polar, at codon 496 of the PALB2 protein (p.Asp496Gly). This variant is not present in population databases (gnomAD no frequency). This variant has not been reported in the literature in individuals affected with PALB2-related conditions. ClinVar contains an entry for this variant (Variation ID: 188343). An algorithm developed to predict the effect of missense changes on protein structure and function (PolyPhen-2) suggests that this variant is likely to be tolerated. RNA analysis performed to evaluate the impact of this missense change on mRNA splicing indicates it does not significantly alter splicing (internal data). In summary, the available evidence is currently insufficient to determine the role of this variant in disease. Therefore, it has been classified as a Variant of Uncertain Significance.

Ambry Genetics
Classification: Uncertain significance for Hereditary cancer-predisposing syndrome. Last evaluated: 2025-11-29. Review status: criteria provided, single submitter. Criteria: Ambry Variant Classification Scheme 2023. Collection method: clinical testing. Allele origin: germline.
Comment: The p.D496G variant (also known as c.1487A>G), located in coding exon 4 of the PALB2 gene, results from an A to G substitution at nucleotide position 1487. The aspartic acid at codon 496 is replaced by glycine, an amino acid with similar properties. This amino acid position is not well conserved in available vertebrate species. In addition, this alteration is predicted to be tolerated by in silico analysis. Since supporting evidence is limited at this time, the clinical significance of this alteration remains unclear.

PreventionGenetics, part of Exact Sciences
Classification: Uncertain significance for PALB2-related condition. Last evaluated: 2025-04-05. Review status: criteria provided, single submitter. Criteria: ACMG Guidelines, 2015. Collection method: clinical testing. Allele origin: germline.
Comment: The PALB2 c.1487A>G variant is predicted to result in the amino acid substitution p.Asp496Gly. To our knowledge, this variant has not been reported in the literature or in a large population database (gnomAD), indicating this variant is rare. This variant is interpreted as uncertain in ClinVar. At this time, the clinical significance of this variant is uncertain due to the absence of conclusive functional and genetic evidence.

GeneDx
Classification: Uncertain significance. Last evaluated: 2023-07-31. Review status: criteria provided, single submitter. Criteria: GeneDx Variant Classification Process June 2021. Collection method: clinical testing. Allele origin: germline.
Comment: Not observed at significant frequency in large population cohorts (gnomAD); In silico analysis supports that this missense variant does not alter protein structure/function; Has not been previously published as pathogenic or benign to our knowledge; In silico analysis suggests this variant may impact gene splicing. In the absence of RNA/functional studies, the actual effect of this sequence change is unknown

Quest Diagnostics Nichols Institute San Juan Capistrano
Classification: Uncertain significance. Last evaluated: 2023-07-03. Review status: criteria provided, single submitter. Criteria: Quest Diagnostics criteria. Collection method: clinical testing. Allele origin: unknown.
Comment: This variant has not been reported as a germline variant in individuals with PALB2-related conditions in the published literature. It also has not been reported in large, multi-ethnic general populations (Genome Aggregation Database). However, it was observed in a cohort of cancer-free women over the age of 70 (FLOSSIES). Analysis of this variant using bioinformatics tools for the prediction of the effect of amino acid changes on protein structure and function yielded predictions that this variant is benign. Additional analysis using software algorithms for the prediction of the effect of nucleotide changes on PALB2 mRNA splicing yielded predictions that this variant may result in the gain of a cryptic splice site without affecting the natural splice sites . Based on the available information, we are unable to determine the clinical significance of this variant.

Literature cited by the submitters: PubMed 31768066 (cited by Quest Diagnostics Nichols Institute San Juan Capistrano).

NM_024675.4(PALB2):c.1487A>G (p.Asp496Gly)

Gene: PALB2 (partner and localizer of BRCA2; minus strand). Cytogenetic location: 16p12.2.
Variant type: single nucleotide variant.
Coding change: c.1487A>G on transcript NM_024675.4 (MANE Select); coding-DNA position 1487, A replaced by G.
Protein change: p.Asp496Gly; replaces aspartic acid 496 with glycine.
Molecular consequence: missense variant.
Genome position (GRCh38, 1-based): chr16:23,635,059, T>C on the plus strand (A>G on the coding strand, the complement: PALB2 is on the minus strand). VCF-style: chr16-23635059-T-C. GRCh37 (hg19) VCF-style: chr16-23646380-T-C.
Other names: short protein forms D496G.
Identifiers: ClinVar variation 188343 (VCV000188343.18), dbSNP rs786204228, ClinGen allele CA334667.